The following is an entry in ClinVar:

NM_000051.4(ATM):c.510G>A (p.Val170=)

Gene: ATM (ATM serine/threonine kinase; plus strand). Cytogenetic location: 11q22.3.
Variant type: single nucleotide variant.
Coding change: c.510G>A on transcript NM_000051.4 (MANE Select); coding-DNA position 510, G replaced by A.
Protein change: p.Val170=; no amino-acid change (valine 170 retained).
Molecular consequence: synonymous variant.
Genome position (GRCh38, 1-based): chr11:108,243,966, G>A. VCF-style: chr11-108243966-G-A. GRCh37 (hg19) VCF-style: chr11-108114693-G-A.
Other names: c.510G>A, p.Val170= (NM_001351834.2).
Identifiers: ClinVar variation 186725 (VCV000186725.19), dbSNP rs375682557, ClinGen allele CA195668.

ClinVar aggregate classification (germline): Benign/Likely benign. Review status: criteria provided, multiple submitters, no conflicts (2 of 4 stars). 6 submissions from 6 submitters: Benign (1); Likely benign (5). Last evaluated 2026-01-29.

Conditions:
Hereditary cancer-predisposing syndrome. Also called: Hereditary Cancer Syndrome; Neoplastic Syndromes, Hereditary; Tumor predisposition; Hereditary neoplastic syndrome. Identifiers: Orphanet 140162, MedGen C0027672, MeSH D009386, MONDO:0015356.
Familial cancer of breast. Also called: BREAST CANCER, FAMILIAL; Hereditary breast cancer; hereditary breast carcinoma. Identifiers: Orphanet 227535, MedGen C0346153, MONDO:0016419, OMIM 114480. Disease mechanism: loss of function.
Ataxia-telangiectasia syndrome (AT). Also called: Ataxia-telangiectasia, complementation group D; AT, COMPLEMENTATION GROUP C; ATAXIA-TELANGIECTASIA, COMPLEMENTATION GROUP A; ATAXIA-TELANGIECTASIA, FRESNO VARIANT; Ataxia-telangiectasia; LOUIS-BAR SYNDROME. Identifiers: Orphanet 100, MedGen C0004135, MONDO:0008840, OMIM 208900.

Allele frequency attached by ClinVar (database versions not stated): gnomAD exomes below 0.00001; TOPMed below 0.00001; gnomAD 0.00004; ESP Exome Variant Server 0.00008.
gnomAD v4.1: 1 of 1,578,726 alleles (0.000063%); highest among the groups gnomAD compares: Non-Finnish European, 0.000086%; no homozygotes.

Submissions (6):

Labcorp Genetics (formerly Invitae), Labcorp
Classification: Likely benign for Ataxia-telangiectasia syndrome. Last evaluated: 2026-01-29. Review status: criteria provided, single submitter. Criteria: Invitae Variant Classification Sherloc (09022015). Collection method: clinical testing. Allele origin: germline.

Myriad Genetics, Inc.
Classification: Benign for Familial cancer of breast. Last evaluated: 2024-04-19. Review status: criteria provided, single submitter. Criteria: Myriad Autosomal Dominant, Autosomal Recessive and X-Linked Classification Criteria (2023). Collection method: clinical testing. Allele origin: unknown.
Comment: This variant is considered benign. This variant is a silent/synonymous amino acid change and it is not expected to impact splicing.

GeneDx
Classification: Likely benign. Last evaluated: 2021-02-15. Review status: criteria provided, single submitter. Criteria: GeneDx Variant Classification Process June 2021. Collection method: clinical testing. Allele origin: germline. Affected: yes.

Women's Health and Genetics/Laboratory Corporation of America, LabCorp
Classification: Likely benign. Last evaluated: 2020-11-19. Review status: criteria provided, single submitter. Criteria: LabCorp Variant Classification Summary - May 2015. Collection method: clinical testing. Allele origin: germline.

Color Diagnostics, LLC DBA Color Health
Classification: Likely benign for Hereditary cancer-predisposing syndrome. Last evaluated: 2016-11-22. Review status: criteria provided, single submitter. Criteria: ACMG Guidelines, 2015. Collection method: clinical testing. Allele origin: germline.

Ambry Genetics
Classification: Likely benign for Hereditary cancer-predisposing syndrome. Last evaluated: 2014-10-27. Review status: criteria provided, single submitter. Criteria: Ambry Variant Classification Scheme 2023. Collection method: clinical testing. Allele origin: germline.